The following is an entry in ClinVar:

ClinVar aggregate classification (germline): Likely pathogenic. Review status: criteria provided, multiple submitters, no conflicts (2 of 4 stars). 2 submissions from 2 submitters: Likely pathogenic (2). Last evaluated 2025-03-01.

Conditions:
Retinitis pigmentosa 25 (RP25). Identifiers: Orphanet 791, MedGen C1864446, MONDO:0011272, OMIM 602772.

gnomAD v4.1: 2 of 1,502,806 alleles (0.00013%); highest among the groups gnomAD compares: Non-Finnish European, 0.00018%; no homozygotes.

Submissions (2):

Natera, Inc.
Classification: Likely pathogenic for Retinitis pigmentosa type 25. Last evaluated: 2025-03-01. Review status: criteria provided, single submitter. Criteria: Natera Variant Classification Schema (03/2026). Collection method: clinical testing. Allele origin: germline.
Comment: The c.6572-2A>C variant in EYS is a canonical splice acceptor site variant predicted to affect pre-mRNA splicing, which may result in an abnormal transcript and altered protein product. This variant is expected to result in nonsense mediated decay, truncation, or a dysfunctional protein product. This variant is rare in the general population with a frequency below the threshold expected for the associated phenotype(s). Given the available evidence, this variant is classified as Likely Pathogenic.

Labcorp Genetics (formerly Invitae), Labcorp
Classification: Likely pathogenic. Last evaluated: 2019-11-26. Review status: criteria provided, single submitter. Criteria: Invitae Variant Classification Sherloc (09022015). Collection method: clinical testing. Allele origin: germline.
Comment: In summary, the currently available evidence indicates that the variant is pathogenic, but additional data are needed to prove that conclusively. Therefore, this variant has been classified as Likely Pathogenic. Donor and acceptor splice site variants typically lead to a loss of protein function (PMID: 16199547), and loss-of-function variants in EYS are known to be pathogenic (PMID: 18836446, 20333770). Algorithms developed to predict the effect of sequence changes on RNA splicing suggest that this variant may disrupt the consensus splice site, but this prediction has not been confirmed by published transcriptional studies. This variant has not been reported in the literature in individuals with EYS-related conditions. This variant is not present in population databases (ExAC no frequency). This sequence change affects an acceptor splice site in intron 32 of the EYS gene. It is expected to disrupt RNA splicing and likely results in an absent or disrupted protein product.

Literature cited by the submitters: PubMed 16199547 (cited by Labcorp Genetics (formerly Invitae), Labcorp); PubMed 18836446 (cited by Labcorp Genetics (formerly Invitae), Labcorp); PubMed 20333770 (cited by Labcorp Genetics (formerly Invitae), Labcorp).

NM_001142800.2(EYS):c.6572-2A>C

Gene: EYS (EGF-like photoreceptor maintenance factor; minus strand). Cytogenetic location: 6q12.
Variant type: single nucleotide variant.
Coding change: c.6572-2A>C on transcript NM_001142800.2 (MANE Select); the canonical splice acceptor site of the intron before coding-DNA position 6572, A replaced by C.
Molecular consequence: splice acceptor variant.
Genome position (GRCh38, 1-based): chr6:64,066,493, T>G on the plus strand (A>C on the coding strand, the complement: EYS is on the minus strand). VCF-style: chr6-64066493-T-G. GRCh37 (hg19) VCF-style: chr6-64776386-T-G.
Other names: c.6572-2A>C (NM_001292009.2).
Identifiers: ClinVar variation 838267 (VCV000838267.9), dbSNP rs1771378101, ClinGen allele CA364390043.